The following is an entry in ClinVar:

ClinVar aggregate classification (germline): Uncertain significance. Review status: criteria provided, multiple submitters, no conflicts (2 of 4 stars). 2 submissions from 2 submitters: Uncertain significance (2). Last evaluated 2023-12-18.

Conditions:
Hereditary breast ovarian cancer syndrome. Also called: Hereditary breast and ovarian cancer syndrome; Hereditary breast and ovarian cancer; Hereditary breast and ovarian cancer syndrome (HBOC); BRCA1- and BRCA2-Associated Hereditary Breast and Ovarian Cancer; Hereditary breast and/or ovarian cancer syndrome; Breast and ovarian cancer. Identifiers: Orphanet 145, MedGen C0677776, MeSH D061325, MONDO:0003582. Disease mechanism: loss of function.

Submissions (2):

Labcorp Genetics (formerly Invitae), Labcorp
Classification: Uncertain significance for Hereditary breast ovarian cancer syndrome. Last evaluated: 2023-12-18. Review status: criteria provided, single submitter. Criteria: Invitae Variant Classification Sherloc (09022015). Collection method: clinical testing. Allele origin: germline.
Comment: This sequence change replaces glutamic acid, which is acidic and polar, with glycine, which is neutral and non-polar, at codon 2298 of the BRCA2 protein (p.Glu2298Gly). This variant is not present in population databases (gnomAD no frequency). This variant has not been reported in the literature in individuals affected with BRCA2-related conditions. ClinVar contains an entry for this variant (Variation ID: 1325635). Advanced modeling of protein sequence and biophysical properties (such as structural, functional, and spatial information, amino acid conservation, physicochemical variation, residue mobility, and thermodynamic stability) performed at Invitae indicates that this missense variant is not expected to disrupt BRCA2 protein function with a negative predictive value of 95%. In summary, the available evidence is currently insufficient to determine the role of this variant in disease. Therefore, it has been classified as a Variant of Uncertain Significance.

National Health Laboratory Service, Universitas Academic Hospital and University of the Free State
Classification: Uncertain significance for Hereditary breast ovarian cancer syndrome. Last evaluated: 2022-04-19. Review status: criteria provided, single submitter. Criteria: ACMG Guidelines, 2015. Collection method: clinical testing. Allele origin: germline. Affected: yes. Observed: 2 variant alleles.

Literature cited by the submitters: DOI 10.3389/fgene.2022.834265 (cited by National Health Laboratory Service, Universitas Academic Hospital and University of the Free State).

NM_000059.4(BRCA2):c.6893A>G (p.Glu2298Gly)

Gene: BRCA2 (BRCA2 DNA repair associated; plus strand). Cytogenetic location: 13q13.1.
Variant type: single nucleotide variant.
Coding change: c.6893A>G on transcript NM_000059.4 (MANE Select); coding-DNA position 6893, A replaced by G.
Protein change: p.Glu2298Gly; replaces glutamic acid 2298 with glycine.
Molecular consequence: missense variant. On other transcripts: non-coding transcript variant (1), intron variant (1).
Genome position (GRCh38, 1-based): chr13:32,344,609, A>G. VCF-style: chr13-32344609-A-G. GRCh37 (hg19) VCF-style: chr13-32918746-A-G.
Other names: NP_000050.3:p.Glu2298Gly; c.6893A>G, p.Glu2298Gly (NM_001406720.1, NM_001432077.1); c.1961A>G, p.Glu654Gly (NM_001406721.1); c.476A>G, p.Glu159Gly (NM_001406722.1); c.6842-2218A>G (NM_001406719.1); short protein forms E2298G, E159G, E654G.
Identifiers: ClinVar variation 1325635 (VCV001325635.4), dbSNP rs2137537139, ClinGen allele CA387792811.